The following is an entry in ClinVar:

ClinVar aggregate classification (germline): Uncertain significance (1 of 4 stars; one submission).

Conditions:
Hereditary cancer-predisposing syndrome. Also called: Tumor predisposition; Hereditary Cancer Syndrome; Hereditary neoplastic syndrome; Neoplastic Syndromes, Hereditary. Identifiers: Orphanet 140162, MedGen C0027672, MeSH D009386, MONDO:0015356.

Submission:

Ambry Genetics
Classification: Uncertain significance for Hereditary cancer-predisposing syndrome. Last evaluated: 2024-06-15. Review status: criteria provided, single submitter. Criteria: Ambry Variant Classification Scheme 2023. Collection method: clinical testing. Allele origin: germline.
Comment: The p.L659P variant (also known as c.1976T>C), located in coding exon 5 of the PALB2 gene, results from a T to C substitution at nucleotide position 1976. The leucine at codon 659 is replaced by proline, an amino acid with similar properties. This amino acid position is conserved. In addition, this alteration is predicted to be tolerated by in silico analysis. Based on the available evidence, the clinical significance of this variant remains unclear.

NM_024675.4(PALB2):c.1976T>C (p.Leu659Pro)

Gene: PALB2 (partner and localizer of BRCA2; minus strand). Cytogenetic location: 16p12.2.
Variant type: single nucleotide variant.
Coding change: c.1976T>C on transcript NM_024675.4 (MANE Select); coding-DNA position 1976, T replaced by C.
Protein change: p.Leu659Pro; replaces leucine 659 with proline.
Molecular consequence: missense variant. On other transcripts: intron variant (1).
Genome position (GRCh38, 1-based): chr16:23,630,178, A>G on the plus strand (T>C on the coding strand, the complement: PALB2 is on the minus strand). VCF-style: chr16-23630178-A-G. GRCh37 (hg19) VCF-style: chr16-23641499-A-G.
Other names: c.1976T>C, p.Leu659Pro (NM_001407302.1, NM_001407297.1, NM_001407298.1 and 3 more transcripts); c.1091T>C, p.Leu364Pro (NM_001407304.1, NM_001407305.1, NM_001407306.1 and 5 more transcripts); c.188T>C, p.Leu63Pro (NM_001407312.1, NM_001407313.1); c.49-903T>C (NM_001407314.1); c.1916T>C, p.Leu639Pro (NM_001407296.1); short protein forms L639P, L63P, L364P, L659P.
Identifiers: ClinVar variation 3304013 (VCV003304013.1).